The following is an entry in ClinVar:

NC_000006.11:g.(?_129687344)_(129691155_?)del

Gene: LAMA2 (laminin subunit alpha 2; plus strand). Cytogenetic location: 6q22.33.
Variant type: Deletion.
Identifiers: ClinVar variation 2423068 (VCV002423068.4).

ClinVar aggregate classification (germline): Pathogenic (1 of 4 stars; one submission).

Conditions:
LAMA2-related muscular dystrophy (LAMA2-RD). Also called: Laminin alpha 2-related dystrophy. Identifiers: MedGen C5679788, MONDO:0100228.

Submission:

Labcorp Genetics (formerly Invitae), Labcorp
Classification: Pathogenic for LAMA2-related muscular dystrophy. Last evaluated: 2022-09-23. Review status: criteria provided, single submitter. Criteria: Invitae Variant Classification Sherloc (09022015). Collection method: clinical testing. Allele origin: germline.
Comment: This variant is a gross deletion of the genomic region encompassing exon(s) 33-34 of the LAMA2 gene. This deletion is out-of-frame, and is expected to create a premature termination codon and result in an absent or disrupted protein product. Loss-of-function variants in LAMA2 are known to be pathogenic (PMID: 18700894, 32904964). This variant has not been reported in the literature in individuals affected with LAMA2-related conditions. For these reasons, this variant has been classified as Pathogenic.

Literature cited by the submitters: PubMed 18700894; PubMed 32904964.